The following is an entry in ClinVar:

NM_007294.4(BRCA1):c.134+1967T>C

Gene: BRCA1 (BRCA1 DNA repair associated; minus strand). Cytogenetic location: 17q21.31.
Variant type: single nucleotide variant.
Coding change: c.134+1967T>C on transcript NM_007294.4 (MANE Select); 1967 bases into the intron after coding-DNA position 134, T replaced by C.
Molecular consequence: intron variant.
Genome position (GRCh38, 1-based): chr17:43,113,759, A>G on the plus strand (T>C on the coding strand, the complement: BRCA1 is on the minus strand). VCF-style: chr17-43113759-A-G. GRCh37 (hg19) VCF-style: chr17-41265776-A-G.
Other names: IVS 3+1967T>C; c.134+1967T>C (NM_001407665.1, NM_001407980.1, NM_001407993.1 and 191 more transcripts); c.81-8803T>C (NM_001408451.1); c.-54-7226T>C (NM_001407898.1, NM_001407881.1, NM_001407902.1); c.-7-7226T>C (NM_001407932.1, NM_001408464.1, NM_001407742.1 and 30 more transcripts); c.-55+1967T>C (NM_001408509.1, NM_001408508.1, NM_001408491.1 and 52 more transcripts); c.-171+1967T>C (NM_001408492.1, NM_001407900.1); c.-124+1967T>C (NM_001408468.1, NM_001407842.1, NM_001407749.1 and 13 more transcripts); and 10 more.
Identifiers: ClinVar variation 209524 (VCV000209524.2), dbSNP rs8176109, ClinGen allele CA276493.

ClinVar aggregate classification (germline): Benign (3 of 4 stars; one submission).

Conditions:
Breast-ovarian cancer, familial, susceptibility to, 1 (BROVCA1). Also called: BRCA1 Hereditary Breast and Ovarian Cancer; OVARIAN CANCER, SUSCEPTIBILITY TO. Identifiers: Orphanet 145, MedGen C2676676, MONDO:0011450, OMIM 604370. Disease mechanism: loss of function.

Allele frequency attached by ClinVar (database versions not stated): TOPMed 0.30209; gnomAD 0.30902 and 0.31646; 1000 Genomes Project 30x 0.34728; 1000 Genomes Project 0.35304.
gnomAD v4.1: 48,126 of 152,028 alleles (32%); highest among the groups gnomAD compares: South Asian, 49%; 7,954 homozygotes.

Submission:

Evidence-based Network for the Interpretation of Germline Mutant Alleles (ENIGMA)
Classification: Benign for Breast-ovarian cancer, familial 1. Last evaluated: 2015-01-12. Review status: reviewed by expert panel. Criteria: ENIGMA BRCA1/2 Classification Criteria (2015). Collection method: curation. Allele origin: germline.
Comment: Class 1 not pathogenic based on frequency >1% in an outbred sampleset. Frequency 0.3304 (Asian), 0.2154 (African), 0.3602 (European), derived from 1000 genomes (2012-04-30).